The following is an entry in ClinVar:

ClinVar aggregate classification (germline): Uncertain significance (1 of 4 stars; one submission).

Submission:

GeneDx
Classification: Uncertain significance. Last evaluated: 2023-06-16. Review status: criteria provided, single submitter. Criteria: GeneDx Variant Classification Process June 2021. Collection method: clinical testing. Allele origin: germline. Affected: yes.
Comment: Not observed at significant frequency in large population cohorts (gnomAD); In silico analysis supports that this missense variant does not alter protein structure/function; Has not been previously published as pathogenic or benign to our knowledge

NM_000965.5(RARB):c.1086C>A (p.Ser362Arg)

Gene: RARB (retinoic acid receptor beta; plus strand). Cytogenetic location: 3p24.2.
Variant type: single nucleotide variant.
Coding change: c.1086C>A on transcript NM_000965.5 (MANE Select); coding-DNA position 1086, C replaced by A.
Protein change: p.Ser362Arg; replaces serine 362 with arginine.
Molecular consequence: missense variant. On other transcripts: non-coding transcript variant (2).
Genome position (GRCh38, 1-based): chr3:25,594,614, C>A. VCF-style: chr3-25594614-C-A. GRCh37 (hg19) VCF-style: chr3-25636105-C-A.
Other names: c.1107C>A, p.Ser369Arg (NM_001290216.3); c.750C>A, p.Ser250Arg (NM_001290217.2, NM_001290276.2, NM_016152.4); c.939C>A, p.Ser313Arg (NM_001290266.2); c.948C>A, p.Ser316Arg (NM_001290277.1); c.957C>A, p.Ser319Arg (NM_001290300.2); short protein forms S250R, S313R, S316R, S319R, S362R, S369R.
Identifiers: ClinVar variation 3360039 (VCV003360039.1).